The following is an entry in ClinVar:

NM_003001.5(SDHC):c.21-6T>C

Gene: SDHC (succinate dehydrogenase complex subunit C; plus strand). Cytogenetic location: 1q23.3.
Variant type: single nucleotide variant.
Coding change: c.21-6T>C on transcript NM_003001.5 (MANE Select); 6 bases into the intron before coding-DNA position 21, T replaced by C.
Molecular consequence: intron variant.
Genome position (GRCh38, 1-based): chr1:161,323,608, T>C. VCF-style: chr1-161323608-T-C. GRCh37 (hg19) VCF-style: chr1-161293398-T-C.
Other names: c.-91-6T>C (NM_001407119.1); c.-209-6T>C (NM_001407120.1); c.21-6T>C (NM_001407115.1, NM_001035511.3, NM_001035512.3 and 2 more transcripts); c.21-4788T>C (NM_001407116.1, NM_001407121.1, NM_001407117.1); c.20+9183T>C (NM_001035513.3).
Identifiers: ClinVar variation 1121699 (VCV001121699.11), dbSNP rs779721144, ClinGen allele CA046548.

ClinVar aggregate classification (germline): Likely benign. Review status: criteria provided, multiple submitters, no conflicts (2 of 4 stars). 2 submissions from 2 submitters: Likely benign (2). Last evaluated 2025-08-06.

Conditions:
Pheochromocytoma/paraganglioma syndrome 3. Also called: Paragangliomas 3; SDHC-Related Hereditary Paraganglioma-Pheochromocytoma Syndrome (Paragangliomas 3); SDHC-Related Hereditary Paraganglioma-Pheochromocytoma Syndrome; GLOMUS TUMORS, FAMILIAL, 3. Identifiers: Orphanet 29072, MedGen C1854336, MONDO:0011544, OMIM 605373.
Gastrointestinal stromal tumor. Also called: Gastrointestinal stroma tumor; Gastrointestinal stromal tumor, somatic. Identifiers: Orphanet 44890, MedGen C0238198, MeSH D046152, MONDO:0011719, OMIM 606764, HP:0100723.

Allele frequency attached by ClinVar (database versions not stated): gnomAD exomes below 0.00001; ExAC 0.00001.

Submissions (2):

Labcorp Genetics (formerly Invitae), Labcorp
Classification: Likely benign for Pheochromocytoma/paraganglioma syndrome 3; Gastrointestinal stromal tumor. Last evaluated: 2025-08-06. Review status: criteria provided, single submitter. Criteria: Invitae Variant Classification Sherloc (09022015). Collection method: clinical testing. Allele origin: germline.

Myriad Genetics, Inc.
Classification: Likely benign for Pheochromocytoma/paraganglioma syndrome 3. Last evaluated: 2025-03-14. Review status: criteria provided, single submitter. Criteria: Myriad Autosomal Dominant, Autosomal Recessive and X-Linked Classification Criteria (2023). Collection method: clinical testing. Allele origin: unknown.
Comment: This variant is considered likely benign. This variant is intronic and is not expected to impact mRNA splicing.